The following is an entry in ClinVar:

ClinVar aggregate classification (germline): Uncertain significance (1 of 4 stars; one submission).

Conditions:
Charcot-Marie-Tooth disease axonal type 2C (HMSN2C). Also called: Charcot-Marie-Tooth Disease Type 2, TRPV4-Related (CMT2C); CHARCOT-MARIE-TOOTH DISEASE, AXONAL, AUTOSOMAL DOMINANT, TYPE 2C; Charcot-Marie-Tooth Neuropathy Type 2C. Identifiers: Orphanet 99937, MedGen C1853710, MONDO:0011633, OMIM 606071.

Submission:

Labcorp Genetics (formerly Invitae), Labcorp
Classification: Uncertain significance for Charcot-Marie-Tooth disease axonal type 2C. Last evaluated: 2022-09-18. Review status: criteria provided, single submitter. Criteria: Invitae Variant Classification Sherloc (09022015). Collection method: clinical testing. Allele origin: germline.
Comment: In summary, the available evidence is currently insufficient to determine the role of this variant in disease. Therefore, it has been classified as a Variant of Uncertain Significance. This sequence change creates a premature translational stop signal (p.Tyr490Thrfs*45) in the TRPV4 gene. It is expected to result in an absent or disrupted protein product. However, the current clinical and genetic evidence is not sufficient to establish whether loss-of-function variants in TRPV4 cause disease. This variant is not present in population databases (gnomAD no frequency). This variant has not been reported in the literature in individuals affected with TRPV4-related conditions.

NM_021625.5(TRPV4):c.1467del (p.Tyr490fs)

Gene: TRPV4 (transient receptor potential cation channel subfamily V member 4; minus strand). Cytogenetic location: 12q24.11.
Variant type: Deletion.
Coding change: c.1467del on transcript NM_021625.5 (MANE Select); coding-DNA position 1467, one base deleted (C; older notation c.1467delC).
Protein change: p.Tyr490fs; shifts the reading frame from tyrosine 490.
Molecular consequence: frameshift variant.
Genome position (GRCh38, 1-based): chr12:109,794,353, G deleted on the plus strand (C on the coding strand, the reverse complement: TRPV4 is on the minus strand); the first of 2 consecutive G bases (chr12:109,794,353-109,794,354); deleting either gives the same sequence. VCF-style (leftmost placement, unchanged base first): chr12-109794352-AG-A. GRCh37 (hg19) VCF-style: chr12-110232157-AG-A.
Other names: c.1325delC, p.Tyr443Thrfs (NM_001177428.2); c.1364delC, p.Tyr456Thrfs (NM_001177431.2); c.1145delC, p.Tyr383Thrfs (NM_001177433.2); c.1286delC, p.Tyr430Thrfs (NM_147204.3); short protein forms Y443fs, Y490fs, Y383fs, Y430fs, Y456fs.
Identifiers: ClinVar variation 1957183 (VCV001957183.5), dbSNP rs2548731906, ClinGen allele CA2580085787.